The following is an entry in ClinVar:

ClinVar aggregate classification (germline): Uncertain significance. Review status: criteria provided, multiple submitters, no conflicts (2 of 4 stars). 2 submissions from 2 submitters: Uncertain significance (2). Last evaluated 2025-03-18.

Conditions:
Autosomal dominant epilepsy with auditory features. Identifiers: Orphanet 101046, MedGen C1838062, MONDO:0010898.

Allele frequency attached by ClinVar (database versions not stated): gnomAD exomes below 0.00001 and 0.00003; ExAC 0.00001; gnomAD 0.00001.
gnomAD v4.1: 45 of 1,614,022 alleles (0.0028%); highest among the groups gnomAD compares: Non-Finnish European, 0.0037%; no homozygotes.

Submissions (2):

Labcorp Genetics (formerly Invitae), Labcorp
Classification: Uncertain significance for Autosomal dominant epilepsy with auditory features. Last evaluated: 2025-03-18. Review status: criteria provided, single submitter. Criteria: Invitae Variant Classification Sherloc (09022015). Collection method: clinical testing. Allele origin: germline.
Comment: This sequence change replaces alanine, which is neutral and non-polar, with glycine, which is neutral and non-polar, at codon 38 of the LGI1 protein (p.Ala38Gly). This variant is present in population databases (rs768415373, gnomAD 0.0008%). This variant has not been reported in the literature in individuals affected with LGI1-related conditions. ClinVar contains an entry for this variant (Variation ID: 844479). Invitae Evidence Modeling of protein sequence and biophysical properties (such as structural, functional, and spatial information, amino acid conservation, physicochemical variation, residue mobility, and thermodynamic stability) indicates that this missense variant is not expected to disrupt LGI1 protein function with a negative predictive value of 80%. In summary, the available evidence is currently insufficient to determine the role of this variant in disease. Therefore, it has been classified as a Variant of Uncertain Significance.

GeneDx
Classification: Uncertain significance. Last evaluated: 2020-01-22. Review status: criteria provided, single submitter. Criteria: GeneDx Variant Classification Process June 2021. Collection method: clinical testing. Allele origin: germline. Affected: yes.
Comment: Not observed at a significant frequency in large population cohorts (Lek et al., 2016); In silico analysis, which includes protein predictors and evolutionary conservation, supports that this variant does not alter protein structure/function; Has not been previously published as pathogenic or benign to our knowledge

NM_005097.4(LGI1):c.113C>G (p.Ala38Gly)

Gene: LGI1 (leucine rich glioma inactivated 1; plus strand). Cytogenetic location: 10q23.33.
Variant type: single nucleotide variant.
Coding change: c.113C>G on transcript NM_005097.4 (MANE Select); coding-DNA position 113, C replaced by G.
Protein change: p.Ala38Gly; replaces alanine 38 with glycine.
Molecular consequence: missense variant. On other transcripts: non-coding transcript variant (1).
Genome position (GRCh38, 1-based): chr10:93,758,257, C>G. VCF-style: chr10-93758257-C-G. GRCh37 (hg19) VCF-style: chr10-95518014-C-G.
Other names: c.113C>G, p.Ala38Gly (NM_001308275.2, NM_001308276.2); short protein forms A38G.
Identifiers: ClinVar variation 844479 (VCV000844479.13), dbSNP rs768415373, ClinGen allele CA5611000.